The following is an entry in ClinVar:

NM_002528.7(NTHL1):c.788C>T (p.Pro263Leu)

Gene: NTHL1 (nth like DNA glycosylase 1; minus strand). Cytogenetic location: 16p13.3.
Variant type: single nucleotide variant.
Coding change: c.788C>T on transcript NM_002528.7 (MANE Select); coding-DNA position 788, C replaced by T.
Protein change: p.Pro263Leu; replaces proline 263 with leucine.
Molecular consequence: missense variant.
Genome position (GRCh38, 1-based): chr16:2,040,136, G>A on the plus strand (C>T on the coding strand, the complement: NTHL1 is on the minus strand). VCF-style: chr16-2040136-G-A. GRCh37 (hg19) VCF-style: chr16-2090137-G-A.
Other names: c.617C>T, p.Pro206Leu (NM_001318193.2); c.458C>T, p.Pro153Leu (NM_001318194.2); short protein forms P153L, P206L, P263L.
Identifiers: ClinVar variation 2801483 (VCV002801483.3), dbSNP rs2548311776, ClinGen allele CA394288613.

ClinVar aggregate classification (germline): Uncertain significance (1 of 4 stars; one submission).

Allele frequency attached by ClinVar (database versions not stated): gnomAD exomes below 0.00001.
gnomAD v4.1: 1 of 1,613,658 alleles (0.000062%); highest among the groups gnomAD compares: Non-Finnish European, 0.000085%; no homozygotes.

Submission:

Labcorp Genetics (formerly Invitae), Labcorp
Classification: Uncertain significance. Last evaluated: 2023-09-10. Review status: criteria provided, single submitter. Criteria: Invitae Variant Classification Sherloc (09022015). Collection method: clinical testing. Allele origin: germline.
Comment: An algorithm developed to predict the effect of missense changes on protein structure and function (PolyPhen-2) suggests that this variant is likely to be disruptive. In summary, the available evidence is currently insufficient to determine the role of this variant in disease. Therefore, it has been classified as a Variant of Uncertain Significance. This variant has not been reported in the literature in individuals affected with NTHL1-related conditions. This variant is not present in population databases (gnomAD no frequency). This sequence change replaces proline, which is neutral and non-polar, with leucine, which is neutral and non-polar, at codon 271 of the NTHL1 protein (p.Pro271Leu).